The following is an entry in ClinVar:

ClinVar aggregate classification (germline): Uncertain significance. Review status: criteria provided, multiple submitters, no conflicts (2 of 4 stars). 2 submissions from 2 submitters: Uncertain significance (2). Last evaluated 2025-05-21.

Allele frequency attached by ClinVar (database versions not stated): ExAC 0.00001.
gnomAD v4.1: 7 of 1,613,850 alleles (0.00043%); highest among the groups gnomAD compares: East Asian, 0.0067%; no homozygotes.

Submissions (2):

Ambry Genetics
Classification: Uncertain significance. Last evaluated: 2025-05-21. Review status: criteria provided, single submitter. Criteria: Ambry Variant Classification Scheme 2023. Collection method: clinical testing. Allele origin: germline.

Labcorp Genetics (formerly Invitae), Labcorp
Classification: Uncertain significance. Last evaluated: 2025-01-13. Review status: criteria provided, single submitter. Criteria: Invitae Variant Classification Sherloc (09022015). Collection method: clinical testing. Allele origin: germline.
Comment: This sequence change replaces glycine, which is neutral and non-polar, with serine, which is neutral and polar, at codon 242 of the KCNK4 protein (p.Gly242Ser). This variant is present in population databases (rs766013537, gnomAD 0.01%). This variant has not been reported in the literature in individuals affected with KCNK4-related conditions. ClinVar contains an entry for this variant (Variation ID: 2884725). An algorithm developed to predict the effect of missense changes on protein structure and function (PolyPhen-2) suggests that this variant is likely to be disruptive. In summary, the available evidence is currently insufficient to determine the role of this variant in disease. Therefore, it has been classified as a Variant of Uncertain Significance.

NM_033310.3(KCNK4):c.724G>A (p.Gly242Ser)

Genes: KCNK4 (potassium two pore domain channel subfamily K member 4; plus strand), KCNK4-CATSPERZ (KCNK4-CATSPERZ readthrough (NMD candidate); plus strand). Cytogenetic location: 11q13.1.
Variant type: single nucleotide variant.
Coding change: c.724G>A on transcript NM_033310.3 (MANE Select); coding-DNA position 724, G replaced by A.
Protein change: p.Gly242Ser; replaces glycine 242 with serine.
Molecular consequence: missense variant. On other transcripts: non-coding transcript variant (3).
Genome position (GRCh38, 1-based): chr11:64,298,172, G>A. VCF-style: chr11-64298172-G-A. GRCh37 (hg19) VCF-style: chr11-64065644-G-A.
Other names: c.724G>A (NM_033310.2); c.724G>A, p.Gly242Ser (NM_001317090.2, NM_033311.1); short protein forms G242S.
Identifiers: ClinVar variation 2884725 (VCV002884725.4), dbSNP rs766013537, ClinGen allele CA6073154.